The following is an entry in ClinVar:

ClinVar aggregate classification (germline): Uncertain significance (1 of 4 stars; one submission).

Conditions:
Atrial fibrillation, familial, 7 (ATFB7). Identifiers: MedGen C2677106, MONDO:0012828, OMIM 612240.

Allele frequency attached by ClinVar (database versions not stated): TOPMed below 0.00001; gnomAD 0.00001.

Submission:

Labcorp Genetics (formerly Invitae), Labcorp
Classification: Uncertain significance for Atrial fibrillation, familial, 7. Last evaluated: 2023-05-23. Review status: criteria provided, single submitter. Criteria: Invitae Variant Classification Sherloc (09022015). Collection method: clinical testing. Allele origin: germline.
Comment: In summary, the available evidence is currently insufficient to determine the role of this variant in disease. Therefore, it has been classified as a Variant of Uncertain Significance. An algorithm developed to predict the effect of missense changes on protein structure and function (PolyPhen-2) suggests that this variant is likely to be disruptive. This sequence change replaces glycine, which is neutral and non-polar, with tryptophan, which is neutral and slightly polar, at codon 568 of the KCNA5 protein (p.Gly568Trp). This variant is not present in population databases (gnomAD no frequency). This variant has not been reported in the literature in individuals affected with KCNA5-related conditions. ClinVar contains an entry for this variant (Variation ID: 648351).

NM_002234.4(KCNA5):c.1702G>T (p.Gly568Trp)

Gene: KCNA5 (potassium voltage-gated channel subfamily A member 5; plus strand). Cytogenetic location: 12p13.32.
Variant type: single nucleotide variant.
Coding change: c.1702G>T on transcript NM_002234.4 (MANE Select); coding-DNA position 1702, G replaced by T.
Protein change: p.Gly568Trp; replaces glycine 568 with tryptophan.
Molecular consequence: missense variant.
Genome position (GRCh38, 1-based): chr12:5,045,849, G>T. VCF-style: chr12-5045849-G-T. GRCh37 (hg19) VCF-style: chr12-5155015-G-T.
Other names: short protein forms G568W.
Identifiers: ClinVar variation 648351 (VCV000648351.8), dbSNP rs1281374886, ClinGen allele CA383467044.